The following is an entry in ClinVar:

ClinVar aggregate classification (germline): Uncertain significance (1 of 4 stars; one submission).

Allele frequency attached by ClinVar (database versions not stated): gnomAD 0.00002; TOPMed 0.00002.
gnomAD v4.1: 3 of 1,207,713 alleles (0.00025%); highest among the groups gnomAD compares: Admixed American, 0.0044%; no homozygotes.

Submission:

Labcorp Genetics (formerly Invitae), Labcorp
Classification: Uncertain significance. Last evaluated: 2024-11-13. Review status: criteria provided, single submitter. Criteria: Invitae Variant Classification Sherloc (09022015). Collection method: clinical testing. Allele origin: germline.
Comment: This sequence change replaces serine, which is neutral and polar, with cysteine, which is neutral and slightly polar, at codon 6 of the NSDHL protein (p.Ser6Cys). This variant is not present in population databases (gnomAD no frequency). This variant has not been reported in the literature in individuals affected with NSDHL-related conditions. ClinVar contains an entry for this variant (Variation ID: 2990534). An algorithm developed to predict the effect of missense changes on protein structure and function (PolyPhen-2) suggests that this variant is likely to be tolerated. In summary, the available evidence is currently insufficient to determine the role of this variant in disease. Therefore, it has been classified as a Variant of Uncertain Significance.

NM_015922.3(NSDHL):c.16A>T (p.Ser6Cys)

Gene: NSDHL (NAD(P) dependent 3-beta-hydroxysteroid dehydrogenase NSDHL; plus strand). Cytogenetic location: Xq28.
Variant type: single nucleotide variant.
Coding change: c.16A>T on transcript NM_015922.3 (MANE Select); coding-DNA position 16, A replaced by T.
Protein change: p.Ser6Cys; replaces serine 6 with cysteine.
Molecular consequence: missense variant.
Genome position (GRCh38, 1-based): chrX:152,846,340, A>T. VCF-style: chrX-152846340-A-T. GRCh37 (hg19) VCF-style: chrX-152014884-A-T.
Other names: c.16A>T, p.Ser6Cys (NM_001129765.2); short protein forms S6C.
Identifiers: ClinVar variation 2990534 (VCV002990534.3), dbSNP rs1556845550, ClinGen allele CA415283948.